The following is an entry in ClinVar:

NM_021629.4(GNB4):c.247G>A (p.Asp83Asn)

Gene: GNB4 (G protein subunit beta 4; minus strand). Cytogenetic location: 3q26.33.
Variant type: single nucleotide variant.
Coding change: c.247G>A on transcript NM_021629.4 (MANE Select); coding-DNA position 247, G replaced by A.
Protein change: p.Asp83Asn; replaces aspartic acid 83 with asparagine.
Molecular consequence: missense variant.
Genome position (GRCh38, 1-based): chr3:179,416,513, C>T on the plus strand (G>A on the coding strand, the complement: GNB4 is on the minus strand). VCF-style: chr3-179416513-C-T. GRCh37 (hg19) VCF-style: chr3-179134301-C-T.
Other names: short protein forms D83N.
Identifiers: ClinVar variation 1791897 (VCV001791897.2), dbSNP rs1428897800, ClinGen allele CA355470376.

ClinVar aggregate classification (germline): Uncertain significance (1 of 4 stars; one submission).

Conditions:
Inborn genetic diseases. Identifiers: MedGen C0950123, MeSH D030342.

Allele frequency attached by ClinVar (database versions not stated): TOPMed below 0.00001; gnomAD 0.00001.
gnomAD v4.1: 1 of 1,589,088 alleles (0.000063%); highest among the groups gnomAD compares: African/African-American, 0.0014%; no homozygotes.

Submission:

Ambry Genetics
Classification: Uncertain significance for Inborn genetic diseases. Last evaluated: 2020-05-14. Review status: criteria provided, single submitter. Criteria: Ambry Variant Classification Scheme 2023. Collection method: clinical testing. Allele origin: germline.
Comment: The p.D83N variant (also known as c.247G>A), located in coding exon 4 of the GNB4 gene, results from a G to A substitution at nucleotide position 247. The aspartic acid at codon 83 is replaced by asparagine, an amino acid with highly similar properties. This amino acid position is highly conserved in available vertebrate species. In addition, this alteration is predicted to be tolerated by in silico analysis. Since supporting evidence is limited at this time, the clinical significance of this alteration remains unclear.